The following is an entry in ClinVar:

NM_052947.4(ALPK2):c.3848C>G (p.Ala1283Gly)

Genes: ALPK2 (alpha kinase 2; minus strand), LOC126862764 (BRD4-independent group 4 enhancer GRCh37_chr18:56202574-56203773; plus strand). Cytogenetic location: 18q21.31.
Variant type: single nucleotide variant.
Coding change: c.3848C>G on transcript NM_052947.4 (MANE Select); coding-DNA position 3848, C replaced by G.
Protein change: p.Ala1283Gly; replaces alanine 1283 with glycine.
Molecular consequence: missense variant.
Genome position (GRCh38, 1-based): chr18:58,536,339, G>C on the plus strand (C>G on the coding strand, the complement: ALPK2 is on the minus strand). VCF-style: chr18-58536339-G-C. GRCh37 (hg19) VCF-style: chr18-56203571-G-C.
Other names: short protein forms A1283G.
Identifiers: ClinVar variation 1735479 (VCV001735479.2), dbSNP rs2518875838, ClinGen allele CA402565371.

ClinVar aggregate classification (germline): Uncertain significance (1 of 4 stars; one submission).

Submission:

Ambry Genetics
Classification: Uncertain significance. Last evaluated: 2021-12-10. Review status: criteria provided, single submitter. Criteria: Ambry Variant Classification Scheme 2023. Collection method: clinical testing. Allele origin: germline.
Comment: The p.A1283G variant (also known as c.3848C>G), located in coding exon 4 of the ALPK2 gene, results from a C to G substitution at nucleotide position 3848. The alanine at codon 1283 is replaced by glycine, an amino acid with similar properties. This amino acid position is conserved. In addition, this alteration is predicted to be tolerated by in silico analysis. Since supporting evidence is limited at this time, the clinical significance of this alteration remains unclear.